The following is an entry in ClinVar:

NM_000321.3(RB1):c.2104C>T (p.Gln702Ter)

Gene: RB1 (RB transcriptional corepressor 1; plus strand). Cytogenetic location: 13q14.2.
Variant type: single nucleotide variant.
Coding change: c.2104C>T on transcript NM_000321.3 (MANE Select); coding-DNA position 2104, C replaced by T.
Protein change: p.Gln702Ter; replaces glutamine 702 with a stop codon.
Molecular consequence: nonsense.
Genome position (GRCh38, 1-based): chr13:48,459,831, C>T. VCF-style: chr13-48459831-C-T. GRCh37 (hg19) VCF-style: chr13-49033967-C-T.
Other names: short protein forms Q702*.
Identifiers: ClinVar variation 428683 (VCV000428683.3), dbSNP rs1131690865, ClinGen allele CA388166977.

ClinVar aggregate classification (germline): Pathogenic (1 of 4 stars; one submission).

Conditions:
Hereditary cancer-predisposing syndrome. Also called: Hereditary Cancer Syndrome; Neoplastic Syndromes, Hereditary; Hereditary neoplastic syndrome; Tumor predisposition. Identifiers: Orphanet 140162, MedGen C0027672, MeSH D009386, MONDO:0015356.

Submission:

Ambry Genetics
Classification: Pathogenic for Hereditary cancer-predisposing syndrome. Last evaluated: 2013-09-18. Review status: criteria provided, single submitter. Criteria: Ambry Autosomal Dominant and X-Linked criteria (10/2015). Collection method: clinical testing. Allele origin: germline. Observed: 1 variant allele.
Comment: The p.Q702Xpathogenic mutation (also known as c.2104C>T), located in coding exon 20 of theRB1gene, results from a C to T substitution at nucleotide position 2104. This changes the glutamine at codon 702 to a stop codon within exon 20. In addition to the clinical data presented in the literature, and since premature stop codons are typically deleterious in nature, this alteration is interpreted as a disease-causing mutation (ACMG Recommendations for Standards for Interpretation and Reporting of Sequence Variations. Revision 2007. Genet Med. 2008;10:294).